The following is an entry in ClinVar:

ClinVar aggregate classification (germline): Conflicting classifications of pathogenicity. Review status: criteria provided, conflicting classifications (1 of 4 stars). 4 submissions from 4 submitters: Uncertain significance (3); Likely benign (1). Last evaluated 2026-03-09.

Allele frequency attached by ClinVar (database versions not stated): gnomAD 0.00005; TOPMed 0.00006; gnomAD exomes 0.00012.

Submissions (4):

Women's Health and Genetics/Laboratory Corporation of America, LabCorp
Classification: Uncertain significance. Last evaluated: 2026-03-09. Review status: criteria provided, single submitter. Criteria: LabCorp Variant Classification Summary - May 2015. Collection method: clinical testing. Allele origin: germline.
Comment: Variant summary: NOTCH3 c.6233G>A (p.Arg2078Gln) results in a conservative amino acid change in the encoded protein sequence. Algorithms developed to predict the effect of missense changes on protein structure and function all suggest that this variant is likely to be tolerated. The variant allele was found at a frequency of 4.1e-05 in 123202 control chromosomes. The available data on variant occurrences in the general population are insufficient to allow any conclusion about variant significance. To our knowledge, no occurrence of c.6233G>A in individuals affected with NOTCH3-related conditions and no experimental evidence demonstrating its impact on protein function have been reported. ClinVar contains an entry for this variant (Variation ID: 2053622). Based on the evidence outlined above, the variant was classified as uncertain significance.

Athena Diagnostics
Classification: Uncertain significance. Last evaluated: 2025-10-27. Review status: criteria provided, single submitter. Criteria: Athena Diagnostics Criteria. Collection method: clinical testing. Allele origin: unknown.
Comment: Available data are insufficient to determine the clinical significance of the variant at this time. The frequency of this variant in the general population is uninformative in assessment of its pathogenicity. Polyphen and MutationTaster predict this amino acid change may be benign.

Labcorp Genetics (formerly Invitae), Labcorp
Classification: Likely benign. Last evaluated: 2024-12-19. Review status: criteria provided, single submitter. Criteria: Invitae Variant Classification Sherloc (09022015). Collection method: clinical testing. Allele origin: germline.

Mayo Clinic Laboratories, Mayo Clinic
Classification: Uncertain significance. Last evaluated: 2022-08-10. Review status: criteria provided, single submitter. Criteria: ACMG Guidelines, 2015. Collection method: clinical testing. Allele origin: germline. Observed: 1 variant allele.
Comment: BP4

NM_000435.3(NOTCH3):c.6233G>A (p.Arg2078Gln)

Gene: NOTCH3 (notch receptor 3; minus strand). Cytogenetic location: 19p13.12.
Variant type: single nucleotide variant.
Coding change: c.6233G>A on transcript NM_000435.3 (MANE Select); coding-DNA position 6233, G replaced by A.
Protein change: p.Arg2078Gln; replaces arginine 2078 with glutamine.
Molecular consequence: missense variant.
Genome position (GRCh38, 1-based): chr19:15,161,395, C>T on the plus strand (G>A on the coding strand, the complement: NOTCH3 is on the minus strand). VCF-style: chr19-15161395-C-T. GRCh37 (hg19) VCF-style: chr19-15272206-C-T.
Other names: p.Arg2078Gln; c.6233G>A (NM_000435.2); short protein forms R2078Q.
Identifiers: ClinVar variation 2053622 (VCV002053622.7), dbSNP rs765403158, ClinGen allele CA9262397.